The following is an entry in ClinVar:

ClinVar aggregate classification (germline): Uncertain significance. Review status: criteria provided, multiple submitters, no conflicts (2 of 4 stars). 2 submissions from 2 submitters: Uncertain significance (2). Last evaluated 2025-05-13.

Conditions:
EYS-related disorder. Also called: EYS-related condition.

Allele frequency attached by ClinVar (database versions not stated): gnomAD exomes 0.00001; gnomAD 0.00002; TOPMed 0.00002.
gnomAD v4.1: 18 of 1,614,004 alleles (0.0011%); highest among the groups gnomAD compares: Middle Eastern, 0.033%; no homozygotes.

Submissions (2):

PreventionGenetics, part of Exact Sciences
Classification: Uncertain significance for EYS-related condition. Last evaluated: 2025-05-13. Review status: criteria provided, single submitter. Criteria: ACMG Guidelines, 2015. Collection method: clinical testing. Allele origin: germline.
Comment: The EYS c.296C>T variant is predicted to result in the amino acid substitution p.Pro99Leu. This variant has been reported in the absence of a second EYS variant in an individual with retinitis pigmentosa (Messchaert et al. 2018. PubMed ID: 29159838). This variant is present in 0.0040% of alleles in individuals of African descent in gnomAD. At this time, the clinical significance of this variant is uncertain due to the absence of conclusive functional and genetic evidence.

Labcorp Genetics (formerly Invitae), Labcorp
Classification: Uncertain significance. Last evaluated: 2022-04-01. Review status: criteria provided, single submitter. Criteria: Invitae Variant Classification Sherloc (09022015). Collection method: clinical testing. Allele origin: germline.
Comment: This sequence change replaces proline, which is neutral and non-polar, with leucine, which is neutral and non-polar, at codon 99 of the EYS protein (p.Pro99Leu). This variant is present in population databases (no rsID available, gnomAD 0.004%). This missense change has been observed in individual(s) with clinical features of retinitis pigmentosa (PMID: 29159838). Algorithms developed to predict the effect of missense changes on protein structure and function output the following: SIFT: "Tolerated"; PolyPhen-2: "Probably Damaging"; Align-GVGD: "Class C0". The leucine amino acid residue is found in multiple mammalian species, which suggests that this missense change does not adversely affect protein function. In summary, the available evidence is currently insufficient to determine the role of this variant in disease. Therefore, it has been classified as a Variant of Uncertain Significance.

Literature cited by the submitters: PubMed 29159838 (cited by Labcorp Genetics (formerly Invitae), Labcorp).

NM_001142800.2(EYS):c.296C>T (p.Pro99Leu)

Gene: EYS (EGF-like photoreceptor maintenance factor; minus strand). Cytogenetic location: 6q12.
Variant type: single nucleotide variant.
Coding change: c.296C>T on transcript NM_001142800.2 (MANE Select); coding-DNA position 296, C replaced by T.
Protein change: p.Pro99Leu; replaces proline 99 with leucine.
Molecular consequence: missense variant.
Genome position (GRCh38, 1-based): chr6:65,495,115, G>A on the plus strand (C>T on the coding strand, the complement: EYS is on the minus strand). VCF-style: chr6-65495115-G-A. GRCh37 (hg19) VCF-style: chr6-66205008-G-A.
Other names: c.296C>T (NM_001142800.1); c.296C>T, p.Pro99Leu (NM_001142801.2, NM_001292009.2, NM_198283.2); short protein forms P99L.
Identifiers: ClinVar variation 1359093 (VCV001359093.4), dbSNP rs1239472721, ClinGen allele CA364790220.
Genomic context (GRCh38, chr6:65,495,115, plus strand): 5'-GTGGTATTTTGCACACAGCCAACGAAAGATGTTTCAGAAACATTCATCAAATTTATTTCT[G>A]GAAATTGAAGAGATGGTTCAGAAGAAATTACAAGGATATCTCCTAATTGAATTTGCAAAG-3'
Protein context (NP_001136272.1, residues 89-109): VISSEPSLQF[Pro99Leu]EINLMNVSET